The following is an entry in ClinVar:

NM_052844.4(DYNC2I2):c.1427T>A (p.Ile476Asn)

Gene: DYNC2I2 (dynein 2 intermediate chain 2; minus strand). Cytogenetic location: 9q34.11.
Variant type: single nucleotide variant.
Coding change: c.1427T>A on transcript NM_052844.4 (MANE Select); coding-DNA position 1427, T replaced by A.
Protein change: p.Ile476Asn; replaces isoleucine 476 with asparagine.
Molecular consequence: missense variant.
Genome position (GRCh38, 1-based): chr9:128,633,928, A>T on the plus strand (T>A on the coding strand, the complement: DYNC2I2 is on the minus strand). VCF-style: chr9-128633928-A-T. GRCh37 (hg19) VCF-style: chr9-131396207-A-T.
Other names: c.1427T>A (NM_052844.3); short protein forms I476N.
Identifiers: ClinVar variation 3375030 (VCV003375030.2).
Genomic context (GRCh38, chr9:128,633,928, plus strand): 5'-TGAGTCTGCTGGCTGTTGAACTCCAGACAGTAGACAGGGCTTTCATCCTGGGTTTGCTTG[A>T]TCAAAACTGTGGGTTTCTGGGAGCTTTTCTGGAGATCAAACAGCTGCACGTCACCTGCAA-3'
Protein context (NP_443076.2, residues 466-486): QKSSQKPTVL[Ile476Asn]KQTQDESPVY

ClinVar aggregate classification (germline): Uncertain significance. Review status: criteria provided, multiple submitters, no conflicts (2 of 4 stars). 2 submissions from 2 submitters: Uncertain significance (2). Last evaluated 2025-08-30.

Conditions:
Inborn genetic diseases. Identifiers: MedGen C0950123, MeSH D030342.

gnomAD v4.1: 72 of 1,613,102 alleles (0.0045%); highest among the groups gnomAD compares: Non-Finnish European, 0.0055%; no homozygotes.

Submissions (2):

Ambry Genetics
Classification: Uncertain significance for Inborn genetic diseases. Last evaluated: 2025-08-30. Review status: criteria provided, single submitter. Criteria: Ambry Variant Classification Scheme 2023. Collection method: clinical testing. Allele origin: germline.

Women's Health and Genetics/Laboratory Corporation of America, LabCorp
Classification: Uncertain significance. Last evaluated: 2024-09-05. Review status: criteria provided, single submitter. Criteria: LabCorp Variant Classification Summary - May 2015. Collection method: clinical testing. Allele origin: germline.
Comment: Variant summary: DYNC2I2 c.1427T>A (p.Ile476Asn) results in a non-conservative amino acid change in the encoded protein sequence. Four of five in-silico tools predict a damaging effect of the variant on protein function. The variant allele was found at a frequency of 1.4e-05 in 280150 control chromosomes. The available data on variant occurrences in the general population are insufficient to allow any conclusion about variant significance. To our knowledge, no occurrence of c.1427T>A in individuals affected with Short-Rib Thoracic Dysplasia 11 With Or Without Polydactyly and no experimental evidence demonstrating its impact on protein function have been reported. No submitters have cited clinical-significance assessments for this variant to ClinVar. Based on the evidence outlined above, the variant was classified as uncertain significance.